The following is an entry in ClinVar:

ClinVar aggregate classification (germline): Uncertain significance (1 of 4 stars; one submission).

Conditions:
Catecholaminergic polymorphic ventricular tachycardia 1. Also called: VENTRICULAR TACHYCARDIA, CATECHOLAMINERGIC POLYMORPHIC, 1, WITH OR WITHOUT ATRIAL DYSFUNCTION AND/OR DILATED CARDIOMYOPATHY; VENTRICULAR TACHYCARDIA, STRESS-INDUCED POLYMORPHIC 1; RYR2-Related Catecholaminergic Polymorphic Ventricular Tachycardia. Identifiers: Orphanet 3286, MedGen C1631597, MONDO:0011484, OMIM 604772.

Submission:

Labcorp Genetics (formerly Invitae), Labcorp
Classification: Uncertain significance for Catecholaminergic polymorphic ventricular tachycardia 1. Last evaluated: 2022-03-09. Review status: criteria provided, single submitter. Criteria: Invitae Variant Classification Sherloc (09022015). Collection method: clinical testing. Allele origin: germline.
Comment: This variant has not been reported in the literature in individuals affected with RYR2-related conditions. ClinVar contains an entry for this variant (Variation ID: 946810). Advanced modeling of protein sequence and biophysical properties (such as structural, functional, and spatial information, amino acid conservation, physicochemical variation, residue mobility, and thermodynamic stability) performed at Invitae indicates that this missense variant is not expected to disrupt RYR2 protein function. In summary, the available evidence is currently insufficient to determine the role of this variant in disease. Therefore, it has been classified as a Variant of Uncertain Significance. This variant is not present in population databases (gnomAD no frequency). This sequence change replaces valine, which is neutral and non-polar, with methionine, which is neutral and non-polar, at codon 1443 of the RYR2 protein (p.Val1443Met).

NM_001035.3(RYR2):c.4327G>A (p.Val1443Met)

Gene: RYR2 (ryanodine receptor 2; plus strand). Cytogenetic location: 1q43.
Variant type: single nucleotide variant.
Coding change: c.4327G>A on transcript NM_001035.3 (MANE Select); coding-DNA position 4327, G replaced by A.
Protein change: p.Val1443Met; replaces valine 1443 with methionine.
Molecular consequence: missense variant.
Genome position (GRCh38, 1-based): chr1:237,593,527, G>A. VCF-style: chr1-237593527-G-A. GRCh37 (hg19) VCF-style: chr1-237756827-G-A.
Other names: short protein forms V1443M.
Identifiers: ClinVar variation 946810 (VCV000946810.11), dbSNP rs1675469138, ClinGen allele CA345399727.